The following is an entry in ClinVar:

ClinVar aggregate classification (germline): Pathogenic. Review status: criteria provided, single submitter (1 of 4 stars). 2 submissions from 2 submitters: Pathogenic (1). 1 of the submissions does not count toward it. Last evaluated 2020-04-24.

Conditions:
Thrombocythemia 1 (THCYT1). Also called: THROMBOCYTOSIS 1; THROMBOCYTHEMIA, SOMATIC. Identifiers: MedGen C3277671, MONDO:0008554, OMIM 187950.

Submissions (2):

Medical Genetics Lab, Policlinico S. Orsola.Malpighi
Classification: Pathogenic for Thrombocythemia 1. Last evaluated: 2020-04-24. Review status: criteria provided, single submitter. Criteria: ACMG Guidelines, 2015. Collection method: clinical testing. Allele origin: paternal. Inheritance: Autosomal dominant inheritance. Affected: yes. Observed: 1 heterozygote.
Comment: This variant is in the 5'-UTR of the THPO gene and it was reported to segregate in affected members of two unrelated families with autosomal dominant essential thrombocythemia. In vitro experiments showed that it increased TPO production (Kondo T et al, Blood 92: 1091-1096, 1998).

OMIM
Classification: Pathogenic for THROMBOCYTHEMIA 1. Last evaluated: 1998-08-15. Review status: no assertion criteria provided. Collection method: literature only. Allele origin: germline. Not counted in ClinVar's aggregate classification.

Literature cited by the submitters: DOI 10.1002/ajmg.a.35656 (cited by Medical Genetics Lab, Policlinico S. Orsola.Malpighi); PubMed 9694695 (cited by OMIM).

NM_000460.4(THPO):c.-47del

Gene: THPO (thrombopoietin; minus strand). Cytogenetic location: 3q27.1.
Variant type: Deletion.
Coding change: c.-47del on transcript NM_000460.4 (MANE Select); 47 bases upstream of the start codon, one base deleted (G; older notation c.-47delG).
Molecular consequence: 5 prime UTR variant. On other transcripts: frameshift variant (2).
Genome position (GRCh38, 1-based): chr3:184,376,306, C deleted on the plus strand (G on the coding strand, the reverse complement: THPO is on the minus strand); the first of 4 consecutive C bases (chr3:184,376,306-184,376,309); deleting any one gives the same sequence. VCF-style (leftmost placement, unchanged base first): chr3-184376305-TC-T. GRCh37 (hg19) VCF-style: chr3-184094093-TC-T.
Other names: 1-BP DEL, 3252G; c.-47del (NM_001177597.2, NM_001177598.2, NM_001289997.1 and 5 more transcripts); c.374del, p.Gly125fs (NM_001290003.1); c.374delG (NM_001290003.1); short protein forms G125fs.
Identifiers: ClinVar variation 872935 (VCV000872935.3), dbSNP rs1714397896, ClinGen allele CA1139658381.
Genomic context (GRCh38, chr3:184,376,305, plus strand): 5'-ACCAGTCAGCTCCATTCTGGCCGGGGTGTCTGGCTGGCGTGGCTCCCTGTTTGGGGCCTC[TC>T]CCCTGAATCCTTCCTGGGGCCATGGAGGCGGCTTAGGCTCTTGCACTTCTGGGCAGAGTA-3'